The following is an entry in ClinVar:

ClinVar aggregate classification (germline): Uncertain significance (1 of 4 stars; one submission).

gnomAD v4.1: 16 of 1,537,222 alleles (0.001%); highest among the groups gnomAD compares: East Asian, 0.039%; no homozygotes.

Submission:

Labcorp Genetics (formerly Invitae), Labcorp
Classification: Uncertain significance. Last evaluated: 2022-09-02. Review status: criteria provided, single submitter. Criteria: Invitae Variant Classification Sherloc (09022015). Collection method: clinical testing. Allele origin: germline.
Comment: In summary, the available evidence is currently insufficient to determine the role of this variant in disease. Therefore, it has been classified as a Variant of Uncertain Significance. Algorithms developed to predict the effect of missense changes on protein structure and function (SIFT, PolyPhen-2, Align-GVGD) all suggest that this variant is likely to be tolerated. ClinVar contains an entry for this variant (Variation ID: 1351811). This variant has not been reported in the literature in individuals affected with DTHD1-related conditions. This variant is present in population databases (no rsID available, gnomAD 0.07%), and has an allele count higher than expected for a pathogenic variant. This sequence change replaces threonine, which is neutral and polar, with serine, which is neutral and polar, at codon 118 of the DTHD1 protein (p.Thr118Ser).

NM_001170700.3(DTHD1):c.1223C>G (p.Thr408Ser)

Gene: DTHD1 (death domain containing 1; plus strand). Cytogenetic location: 4p14.
Variant type: single nucleotide variant.
Coding change: c.1223C>G on transcript NM_001170700.3 (MANE Select); coding-DNA position 1223, C replaced by G.
Protein change: p.Thr408Ser; replaces threonine 408 with serine.
Molecular consequence: missense variant. On other transcripts: non-coding transcript variant (1), intron variant (1).
Genome position (GRCh38, 1-based): chr4:36,293,530, C>G. VCF-style: chr4-36293530-C-G. GRCh37 (hg19) VCF-style: chr4-36295152-C-G.
Other names: c.353C>G, p.Thr118Ser (NM_001136536.5); c.349-59C>G (NM_001378435.1); short protein forms T118S, T408S.
Identifiers: ClinVar variation 1351811 (VCV001351811.8), dbSNP rs765224946, ClinGen allele CA356679328.